The following is an entry in ClinVar:

ClinVar aggregate classification (germline): Pathogenic (1 of 4 stars; one submission).

Conditions:
Peroxisome biogenesis disorder. Identifiers: Orphanet 79189, MedGen C1832200, MONDO:0019234. Disease mechanism: loss of function.

Submission:

Myriad Genetics, Inc.
Classification: Pathogenic for Peroxisome biogenesis disorder. Last evaluated: 2023-09-27. Review status: criteria provided, single submitter. Criteria: Myriad Autosomal Dominant, Autosomal Recessive and X-Linked Classification Criteria (2023). Collection method: clinical testing. Allele origin: unknown.
Comment: NM_153818.1(PEX10):c.304dupC(L102Pfs*19) is expected to be pathogenic in the context of peroxisome biogenesis disorder type 6. This variant is predicted to lead to an abnormal or absent protein product due to the creation of a premature termination codon in PEX10, a gene where loss-of-function variants are known to be pathogenic. Please note: this variant was assessed in the context of healthy population screening.

NM_002617.4(PEX10):c.304dup (p.Leu102fs)

Gene: PEX10 (peroxisomal biogenesis factor 10; minus strand). Cytogenetic location: 1p36.32.
Variant type: Duplication.
Coding change: c.304dup on transcript NM_002617.4 (MANE Select); coding-DNA position 304, one base duplicated (C; older notation c.304dupC).
Protein change: p.Leu102fs; shifts the reading frame from leucine 102.
Molecular consequence: frameshift variant. On other transcripts: 5 prime UTR variant (2), non-coding transcript variant (1).
Genome position (GRCh38, 1-based): chr1:2,408,748, G duplicated on the plus strand (C on the coding strand, the reverse complement: PEX10 is on the minus strand); the first of 2 consecutive G bases (chr1:2,408,748-2,408,749); duplicating either gives the same sequence. VCF-style (leftmost placement, unchanged base first): chr1-2408747-A-AG. GRCh37 (hg19) VCF-style: chr1-2340186-A-AG.
Other names: c.304dup, p.Leu102fs (NM_001374425.1, NM_153818.2); c.-129dup (NM_001374426.1, NM_001374427.1); short protein forms L102fs.
Identifiers: ClinVar variation 5011885 (VCV005011885.1).